The following is an entry in ClinVar:

ClinVar aggregate classification (germline): Uncertain significance (1 of 4 stars; one submission).

Allele frequency attached by ClinVar (database versions not stated): gnomAD exomes 0.00001; ExAC 0.00003; gnomAD 0.00003; TOPMed 0.00004; ESP Exome Variant Server 0.00008.
gnomAD v4.1: 26 of 1,614,062 alleles (0.0016%); highest among the groups gnomAD compares: African/African-American, 0.0067%; no homozygotes.

Submission:

CeGaT Center for Human Genetics Tuebingen
Classification: Uncertain significance. Last evaluated: 2024-05-01. Review status: criteria provided, single submitter. Criteria: CeGaT Center For Human Genetics Tuebingen Variant Classification Criteria Version 2. Collection method: clinical testing. Allele origin: germline. Affected: yes. Observed: 1 variant allele.
Comment: TECTA: PM2

NM_005422.4(TECTA):c.3727C>T (p.Arg1243Cys)

Genes: TBCEL-TECTA (TBCEL-TECTA readthrough; plus strand), TECTA (tectorin alpha; plus strand). Cytogenetic location: 11q23.3.
Variant type: single nucleotide variant.
Coding change: c.3727C>T on transcript NM_005422.4 (MANE Select); coding-DNA position 3727, C replaced by T.
Protein change: p.Arg1243Cys; replaces arginine 1243 with cysteine.
Molecular consequence: missense variant.
Genome position (GRCh38, 1-based): chr11:121,145,738, C>T. VCF-style: chr11-121145738-C-T. GRCh37 (hg19) VCF-style: chr11-121016447-C-T.
Other names: c.4684C>T, p.Arg1562Cys (NM_001378761.1); short protein forms R1243C, R1562C.
Identifiers: ClinVar variation 3239380 (VCV003239380.19), dbSNP rs140869937.